The following is an entry in ClinVar:

ClinVar aggregate classification (germline): Pathogenic/Likely pathogenic. Review status: criteria provided, multiple submitters, no conflicts (2 of 4 stars). 5 submissions from 5 submitters: Pathogenic (3); Likely pathogenic (2). Last evaluated 2026-07-01.

Conditions:
Glycogen storage disease, type II (IOPD). Also called: POMPE DISEASE, INFANTILE-ONSET; GLYCOGEN STORAGE DISEASE II, INFANTILE-ONSET; ACID ALPHA-GLUCOSIDASE DEFICIENCY, INFANTILE-ONSET; GAA DEFICIENCY, INFANTILE-ONSET; ACID MALTASE DEFICIENCY, INFANTILE-ONSET; CARDIOMEGALIA GLYCOGENICA DIFFUSA. Identifiers: Orphanet 365, MedGen C0017921, MONDO:0009290, OMIM 232300.
GAA-related disorders.

Allele frequency attached by ClinVar (database versions not stated): gnomAD exomes below 0.00001.
gnomAD v4.1: 1 of 1,611,586 alleles (0.000062%); highest among the groups gnomAD compares: Non-Finnish European, 0.000085%; no homozygotes.

Submissions (5):

Genomenon, Inc
Classification: Likely pathogenic for Glycogen storage disease, type II. Last evaluated: 2026-07-01. Review status: criteria provided, single submitter. Criteria: Genomenon Sequence Variant Interpretation Standards - Updated. Collection method: curation. Allele origin: germline. Affected: yes.
Comment: GAA p.His308Pro (c.923A>C) is a missense variant that changes the amino acid at codon 308 from Histidine to Proline. This variant has been observed in at least one proband with a GAA-related disorder in the compound heterozygous and/or homozygous state (PMID:32248831;31899940;27189384;14695532). At least one functional study has demonstrated a substantial alteration in protein function relative to the wild-type (PMID:14695532;19862843). It is absent or not present at a significant frequency in gnomAD. In silico models predict that this variant is possibly or probably damaging. In conclusion, we classify GAA p.His308Pro (c.923A>C) as a likely pathogenic variant.

Revvity Omics, Revvity
Classification: Likely pathogenic. Last evaluated: 2024-09-06. Review status: criteria provided, single submitter. Criteria: ACMG Guidelines, 2015. Collection method: clinical testing. Allele origin: germline.

Blueprint Genetics
Classification: Pathogenic for GAA-related disorders. Last evaluated: 2024-01-18. Review status: criteria provided, single submitter. Criteria: ACMG Guidelines, 2015. Collection method: clinical testing. Allele origin: germline. Affected: yes. Observed: 1 variant allele.

Women's Health and Genetics/Laboratory Corporation of America, LabCorp
Classification: Pathogenic for Glycogen storage disease, type II. Last evaluated: 2022-10-21. Review status: criteria provided, single submitter. Criteria: LabCorp Variant Classification Summary - May 2015. Collection method: clinical testing. Allele origin: germline.
Comment: Variant summary: GAA c.923A>C (p.His308Pro) results in a non-conservative amino acid change located in the glycoside hydrolase family 31, N-terminal domain (IPR025887) of the encoded protein sequence. Five of five in-silico tools predict a damaging effect of the variant on protein function. The variant was absent in 244682 control chromosomes (gnomAD). c.923A>C has been reported in the literature as a compound heterozygous genotype in individuals affected with Glycogen Storage Disease, Type 2 (Pompe Disease) (e.g. Hermans_2004, Bali_2012, van Capelle_2016, Vanherpe_2020). These data indicate that the variant is likely to be associated with disease. Publications reporting experimental evidence evaluating an impact on protein function found that the variant effect results in <2% of normal activity (e.g. Hermans_2004, Flanagan_2009). One clinical diagnostic laboratory has submitted a clinical-significance assessment for this variant to ClinVar after 2014 and classified the variant as likely pathogenic. Based on the evidence outlined above, the variant was classified as pathogenic.

Labcorp Genetics (formerly Invitae), Labcorp
Classification: Pathogenic for Glycogen storage disease, type II. Last evaluated: 2022-10-11. Review status: criteria provided, single submitter. Criteria: Invitae Variant Classification Sherloc (09022015). Collection method: clinical testing. Allele origin: germline.
Comment: For these reasons, this variant has been classified as Pathogenic. This variant disrupts the p.His308 amino acid residue in GAA. Other variant(s) that disrupt this residue have been determined to be pathogenic (Invitae). This suggests that this residue is clinically significant, and that variants that disrupt this residue are likely to be disease-causing. Experimental studies have shown that this missense change affects GAA function (PMID: 14695532, 19862843). Advanced modeling of protein sequence and biophysical properties (such as structural, functional, and spatial information, amino acid conservation, physicochemical variation, residue mobility, and thermodynamic stability) has been performed at Invitae for this missense variant, however the output from this modeling did not meet the statistical confidence thresholds required to predict the impact of this variant on GAA protein function. ClinVar contains an entry for this variant (Variation ID: 1493530). This missense change has been observed in individual(s) with Pompe disease (PMID: 14695532, 28624228, 31086307). This variant is not present in population databases (gnomAD no frequency). This sequence change replaces histidine, which is basic and polar, with proline, which is neutral and non-polar, at codon 308 of the GAA protein (p.His308Pro).

Literature cited by the submitters: PubMed 32248831 (cited by Genomenon, Inc and Women's Health and Genetics/Laboratory Corporation of America, LabCorp); PubMed 31899940 (cited by Genomenon, Inc); PubMed 27189384 (cited by Genomenon, Inc and Women's Health and Genetics/Laboratory Corporation of America, LabCorp); PubMed 14695532 (cited by 3 submitters); PubMed 19862843 (cited by 3 submitters); PubMed 22252923 (cited by Women's Health and Genetics/Laboratory Corporation of America, LabCorp); PubMed 31086307 (cited by Women's Health and Genetics/Laboratory Corporation of America, LabCorp and Labcorp Genetics (formerly Invitae), Labcorp); PubMed 31254424 (cited by Women's Health and Genetics/Laboratory Corporation of America, LabCorp); PubMed 28624228 (cited by Labcorp Genetics (formerly Invitae), Labcorp).

NM_000152.5(GAA):c.923A>C (p.His308Pro)

Gene: GAA (alpha glucosidase; plus strand). Cytogenetic location: 17q25.3.
Variant type: single nucleotide variant.
Coding change: c.923A>C on transcript NM_000152.5 (MANE Select); coding-DNA position 923, A replaced by C.
Protein change: p.His308Pro; replaces histidine 308 with proline.
Molecular consequence: missense variant.
Genome position (GRCh38, 1-based): chr17:80,107,864, A>C. VCF-style: chr17-80107864-A-C. GRCh37 (hg19) VCF-style: chr17-78081663-A-C.
Other names: c.923A>C, p.His308Pro (NM_001079803.3, NM_001079804.3); short protein forms H308P.
Identifiers: ClinVar variation 1493530 (VCV001493530.10), dbSNP rs2143849751, ClinGen allele CA401364056.
Genomic context (GRCh38, chr17:80,107,864, plus strand): 5'-GTGCGAACCTCTACGGGTCTCACCCTTTCTACCTGGCGCTGGAGGACGGCGGGTCGGCAC[A>C]CGGGGTGTTCCTGCTAAACAGCAATGCCATGGGTAAGCTGCCCGCCGCCCAGCGCCCGGG-3'
Protein context (NP_000143.2, residues 298-318): YLALEDGGSA[His308Pro]GVFLLNSNAM